The following is an entry in ClinVar:

ClinVar aggregate classification (germline): Uncertain significance. Review status: criteria provided, multiple submitters, no conflicts (2 of 4 stars). 4 submissions from 4 submitters: Uncertain significance (4). Last evaluated 2025-07-31.

Conditions:
ALG3-related disorder. Also called: ALG3-related condition.
ALG3-congenital disorder of glycosylation. Also called: CONGENITAL DISORDER OF GLYCOSYLATION, TYPE Id; CDG Id; ALG3-CDG; CARBOHYDRATE-DEFICIENT GLYCOPROTEIN SYNDROME, TYPE IV; CDGS, TYPE IV. Identifiers: Orphanet 79321, MedGen C1832736, MONDO:0010998, OMIM 601110.
Inborn genetic diseases. Identifiers: MedGen C0950123, MeSH D030342.

Allele frequency attached by ClinVar (database versions not stated): gnomAD 0.00003; TOPMed 0.00003; ExAC 0.00004; gnomAD exomes 0.00006.
gnomAD v4.1: 95 of 1,603,948 alleles (0.0059%); highest among the groups gnomAD compares: Non-Finnish European, 0.008%; no homozygotes.

Submissions (4):

PreventionGenetics, part of Exact Sciences
Classification: Uncertain significance for ALG3-related condition. Last evaluated: 2025-07-31. Review status: criteria provided, single submitter. Criteria: ACMG Guidelines, 2015. Collection method: clinical testing. Allele origin: germline.
Comment: The ALG3 c.53A>G variant is predicted to result in the amino acid substitution p.Glu18Gly. To our knowledge, this variant has not been reported in the literature. This variant is reported in 0.0081% of alleles in individuals of European (Non-Finnish) descent in gnomAD. At this time, the clinical significance of this variant is uncertain due to the absence of conclusive functional and genetic evidence.

GeneDx
Classification: Uncertain significance. Last evaluated: 2024-12-10. Review status: criteria provided, single submitter. Criteria: GeneDx Variant Classification Process June 2021. Collection method: clinical testing. Allele origin: germline. Affected: yes.
Comment: Not observed at significant frequency in large population cohorts (gnomAD); In silico analysis indicates that this missense variant does not alter protein structure/function; Has not been previously published as pathogenic or benign to our knowledge

Labcorp Genetics (formerly Invitae), Labcorp
Classification: Uncertain significance for ALG3-congenital disorder of glycosylation. Last evaluated: 2024-05-20. Review status: criteria provided, single submitter. Criteria: Invitae Variant Classification Sherloc (09022015). Collection method: clinical testing. Allele origin: germline.
Comment: This sequence change replaces glutamic acid, which is acidic and polar, with glycine, which is neutral and non-polar, at codon 18 of the ALG3 protein (p.Glu18Gly). This variant is present in population databases (rs760439771, gnomAD 0.008%). This variant has not been reported in the literature in individuals affected with ALG3-related conditions. ClinVar contains an entry for this variant (Variation ID: 2160332). Algorithms developed to predict the effect of missense changes on protein structure and function output the following: SIFT: "Not Available"; PolyPhen-2: "Benign"; Align-GVGD: "Not Available". The glycine amino acid residue is found in multiple mammalian species, which suggests that this missense change does not adversely affect protein function. In summary, the available evidence is currently insufficient to determine the role of this variant in disease. Therefore, it has been classified as a Variant of Uncertain Significance.

Ambry Genetics
Classification: Uncertain significance for Inborn genetic diseases. Last evaluated: 2023-05-15. Review status: criteria provided, single submitter. Criteria: Ambry Variant Classification Scheme 2023. Collection method: clinical testing. Allele origin: germline.

NM_005787.6(ALG3):c.53A>G (p.Glu18Gly)

Gene: ALG3 (ALG3 alpha-1,3- mannosyltransferase; minus strand). Cytogenetic location: 3q27.1.
Variant type: single nucleotide variant.
Coding change: c.53A>G on transcript NM_005787.6 (MANE Select); coding-DNA position 53, A replaced by G.
Protein change: p.Glu18Gly; replaces glutamic acid 18 with glycine.
Molecular consequence: missense variant. On other transcripts: non-coding transcript variant (2), intron variant (1).
Genome position (GRCh38, 1-based): chr3:184,248,888, T>C on the plus strand (A>G on the coding strand, the complement: ALG3 is on the minus strand). VCF-style: chr3-184248888-T-C. GRCh37 (hg19) VCF-style: chr3-183966676-T-C.
Other names: c.-16A>G (NM_001006942.1); c.52+338A>G (NM_001006941.2); c.53A>G (NM_005787.5); short protein forms E18G.
Identifiers: ClinVar variation 2160332 (VCV002160332.8), dbSNP rs760439771, ClinGen allele CA2729663.